The following is an entry in ClinVar:

NM_005618.4(DLL1):c.1307C>T (p.Ser436Leu)

Gene: DLL1 (delta like canonical Notch ligand 1; minus strand). Cytogenetic location: 6q27.
Variant type: single nucleotide variant.
Coding change: c.1307C>T on transcript NM_005618.4 (MANE Select); coding-DNA position 1307, C replaced by T.
Protein change: p.Ser436Leu; replaces serine 436 with leucine.
Molecular consequence: missense variant.
Genome position (GRCh38, 1-based): chr6:170,283,972, G>A on the plus strand (C>T on the coding strand, the complement: DLL1 is on the minus strand). VCF-style: chr6-170283972-G-A. GRCh37 (hg19) VCF-style: chr6-170593060-G-A.
Other names: short protein forms S436L.
Identifiers: ClinVar variation 2705785 (VCV002705785.3), dbSNP rs774614063, ClinGen allele CA4106865.

ClinVar aggregate classification (germline): Uncertain significance (1 of 4 stars; one submission).

Allele frequency attached by ClinVar (database versions not stated): gnomAD 0.00006; gnomAD exomes 0.00008; ExAC 0.00010; TOPMed 0.00009.
gnomAD v4.1: 122 of 1,586,938 alleles (0.0077%); highest among the groups gnomAD compares: Admixed American, 0.026%; no homozygotes.

Submission:

Labcorp Genetics (formerly Invitae), Labcorp
Classification: Uncertain significance. Last evaluated: 2025-07-16. Review status: criteria provided, single submitter. Criteria: Invitae Variant Classification Sherloc (09022015). Collection method: clinical testing. Allele origin: germline.
Comment: This sequence change replaces serine, which is neutral and polar, with leucine, which is neutral and non-polar, at codon 436 of the DLL1 protein (p.Ser436Leu). This variant is present in population databases (rs774614063, gnomAD 0.04%), and has an allele count higher than expected for a pathogenic variant. This variant has not been reported in the literature in individuals affected with DLL1-related conditions. ClinVar contains an entry for this variant (Variation ID: 2705785). An algorithm developed to predict the effect of missense changes on protein structure and function (PolyPhen-2) suggests that this variant is likely to be tolerated. In summary, the available evidence is currently insufficient to determine the role of this variant in disease. Therefore, it has been classified as a Variant of Uncertain Significance.